The following is an entry in ClinVar:

ClinVar aggregate classification (germline): Benign/Likely benign. Review status: criteria provided, multiple submitters, no conflicts (2 of 4 stars). 4 submissions from 4 submitters: Benign (2); Likely benign (2). Last evaluated 2026-08-01.

Allele frequency attached by ClinVar (database versions not stated): 1000 Genomes Project 0.00080; 1000 Genomes Project 30x 0.00109; ExAC 0.00227; gnomAD exomes 0.00253; ESP Exome Variant Server 0.00277; gnomAD 0.00288 and 0.00303.
gnomAD v4.1: 5,761 of 1,609,258 alleles (0.36%); highest among the groups gnomAD compares: Non-Finnish European, 0.42%; 14 homozygotes.

Submissions (4):

CeGaT Center for Human Genetics Tuebingen
Classification: Likely benign. Last evaluated: 2026-08-01. Review status: criteria provided, single submitter. Criteria: CeGaT Center For Human Genetics Tuebingen Variant Classification Criteria Version 2. Collection method: clinical testing. Allele origin: germline. Affected: yes. Observed: 14 variant alleles.
Comment: SON: BP4, BP7, BS1

Labcorp Genetics (formerly Invitae), Labcorp
Classification: Benign. Last evaluated: 2026-01-31. Review status: criteria provided, single submitter. Criteria: Invitae Variant Classification Sherloc (09022015). Collection method: clinical testing. Allele origin: germline.

Blueprint Genetics
Classification: Likely benign. Last evaluated: 2024-11-20. Review status: criteria provided, single submitter. Criteria: ACMG Guidelines, 2015. Collection method: clinical testing. Allele origin: germline.

Breakthrough Genomics
Classification: Benign. Review status: criteria provided, single submitter. Criteria: ACMG Guidelines, 2015. Collection method: not provided. Allele origin: germline. Inheritance: Autosomal dominant inheritance. Affected: yes.

NM_138927.4(SON):c.2271G>A (p.Ala757=)

Gene: SON (SON DNA and RNA binding protein; plus strand). Cytogenetic location: 21q22.11.
Variant type: single nucleotide variant.
Coding change: c.2271G>A on transcript NM_138927.4 (MANE Select); coding-DNA position 2271, G replaced by A.
Protein change: p.Ala757=; no amino-acid change (alanine 757 retained).
Molecular consequence: synonymous variant. On other transcripts: non-coding transcript variant (1), intron variant (1).
Genome position (GRCh38, 1-based): chr21:33,551,502, G>A. VCF-style: chr21-33551502-G-A. GRCh37 (hg19) VCF-style: chr21-34923808-G-A.
Other names: c.2271G>A, p.Ala757= (NM_001291411.2, NM_032195.3); c.244+5123G>A (NM_001291412.3).
Identifiers: ClinVar variation 773790 (VCV000773790.34), dbSNP rs147224438, ClinGen allele CA10009073.
Genomic context (GRCh38, chr21:33,551,502, plus strand): 5'-GTCCAACACCATGGACTCCCAGATGCTAGCATCCAACACCATGGACTCCCAGATGTTAGC[G>A]TCTAGCACCATGGACTCCCAGATGTTAGCAACTAGCTCCATGGACTCCCAGATGTTAGCA-3'
Protein context (NP_620305.3, residues 747-767): ASNTMDSQML[Ala757=]SSTMDSQMLA